The following is an entry in ClinVar:

NM_001371596.2(MFSD8):c.1361T>C (p.Met454Thr)

Gene: MFSD8 (major facilitator superfamily domain containing 8; minus strand). Cytogenetic location: 4q28.2.
Variant type: single nucleotide variant.
Coding change: c.1361T>C on transcript NM_001371596.2 (MANE Select); coding-DNA position 1361, T replaced by C.
Protein change: p.Met454Thr; replaces methionine 454 with threonine.
Molecular consequence: missense variant.
Genome position (GRCh38, 1-based): chr4:127,920,826, A>G on the plus strand (T>C on the coding strand, the complement: MFSD8 is on the minus strand). VCF-style: chr4-127920826-A-G. GRCh37 (hg19) VCF-style: chr4-128841981-A-G.
Other names: NP_689991.1:p.(Met454Thr); c.1160T>C, p.Met387Thr (NM_001363520.3); c.1046T>C, p.Met349Thr (NM_001363521.3); c.1226T>C, p.Met409Thr (NM_001371590.2); c.1370T>C, p.Met457Thr (NM_001371591.2); c.1367T>C, p.Met456Thr (NM_001371592.2); c.1247T>C, p.Met416Thr (NM_001371593.2); c.1214T>C, p.Met405Thr (NM_001371594.2); and 5 more; short protein forms M454T, M349T, M387T, M360T, M405T, M409T, M416T, M456T.
Identifiers: ClinVar variation 418295 (VCV000418295.75), dbSNP rs559155109, ClinGen allele CA3077232.

ClinVar aggregate classification (germline): Pathogenic/Likely pathogenic. Review status: criteria provided, multiple submitters, no conflicts (2 of 4 stars). 22 submissions from 20 submitters: Pathogenic (12); Likely pathogenic (6). 4 of the submissions do not count toward it. Last evaluated 2026-07-01.

Conditions:
Inborn genetic diseases. Identifiers: MedGen C0950123, MeSH D030342.
Cone-rod dystrophy. Also called: Cone-rod degeneration; Cone/cone-rod dystrophy. Identifiers: Orphanet 1872, MedGen C4085590, MONDO:0015993, HP:0000548.
Severe early-childhood-onset retinal dystrophy (STGD1). Also called: Stargardt macular dystrophy; Juvenile onset macular degeneration; Stargardt disease 1; STGD; MACULAR DYSTROPHY WITH FLECKS, TYPE 1. Identifiers: Orphanet 364055, Orphanet 827, MedGen C1855465, MeSH D000080362, MONDO:0009549, OMIM 248200.
MFSD8-related disorders.
MFSD8-related disorder. Also called: MFSD8-related condition.
Macular dystrophy with central cone involvement (CCMD). Identifiers: MedGen C4015371, MONDO:0014515, OMIM 616170.
Neuronal ceroid lipofuscinosis 7 (CLN7). Also called: MFSD8-Related Neuronal Ceroid-Lipofuscinosis. Identifiers: Orphanet 168491, Orphanet 228366, MedGen C1838571, MONDO:0012588, OMIM 610951.
Retinal dystrophy. Also called: Inherited retinal dystrophy. Identifiers: Orphanet 71862, MedGen C0854723, MeSH D058499, MONDO:0019118, HP:0000556.
Neuronal ceroid lipofuscinosis. Also called: Neuronal Ceroid Lipofuscinoses. Identifiers: Orphanet 216, Orphanet 79263, MedGen C0027877, MONDO:0016295. Disease mechanism: loss of function.
Late-infantile neuronal ceroid lipofuscinosis. Also called: Jansky-Bielschowsky disease. Identifiers: MedGen C0022340, MONDO:0015674.
Retinitis pigmentosa (RP). Identifiers: Orphanet 791, MedGen C0035334, MeSH D012174, MONDO:0019200, OMIM 268000. Inheritance: Autosomal dominant, autosomal recessive and X linked inheritance.

Allele frequency attached by ClinVar (database versions not stated): gnomAD below 0.00001 and 0.00001; TOPMed 0.00001; gnomAD exomes 0.00005 and 0.00011; ExAC 0.00012.
gnomAD v4.1: 75 of 1,613,882 alleles (0.0046%); highest among the groups gnomAD compares: South Asian, 0.071%; 1 homozygote.

Submissions 1 to 10 of 22:

CeGaT Center for Human Genetics Tuebingen
Classification: Pathogenic. Last evaluated: 2026-07-01. Review status: criteria provided, single submitter. Criteria: CeGaT Center For Human Genetics Tuebingen Variant Classification Criteria Version 2. Collection method: clinical testing. Allele origin: germline. Affected: yes. Observed: 1 variant allele.
Comment: MFSD8: PM3:Strong, PP1:Strong, PM2, PP3

PreventionGenetics, part of Exact Sciences
Classification: Likely pathogenic for MFSD8-related condition. Last evaluated: 2026-07-01. Review status: criteria provided, single submitter. Criteria: ACMG Guidelines, 2015. Collection method: clinical testing. Allele origin: germline.
Comment: The MFSD8 c.1361T>C variant is predicted to result in the amino acid substitution p.Met454Thr. This variant has been reported in the homozygous and compound heterozygous states in many individuals individuals with non-syndromic maculopathy or neuronal ceroid lipofuscinosis (see for example: two affected siblings in Patiño et al. 2014. PubMed ID: 25333361; Khan et al. 2017. PubMed ID: 28586915; Supplementary table 2, Turro et al. 2020. PubMed ID: 32581362; Kolesnikova et al. 2023. PubMed ID: 36912596). This variant is reported to be a founder mutation in individuals of South Asian origin (Khan et al. 2017. PubMed ID: 28586915). It has been proposed that this variant may cause maculopathy when present in the homozygous state and result in neurological symptoms when paired with a more severe variant (Khan et al. 2017. PubMed ID: 28586915; Patiño. 2014. PubMed ID: 25333361). This variant is reported in 0.082% of alleles in individuals of South Asian descent in gnomAD, including one homozygote. This variant is interpreted as likely pathogenic.

Labcorp Genetics (formerly Invitae), Labcorp
Classification: Pathogenic for Neuronal ceroid lipofuscinosis 7. Last evaluated: 2026-01-25. Review status: criteria provided, single submitter. Criteria: Invitae Variant Classification Sherloc (09022015). Collection method: clinical testing. Allele origin: germline.
Comment: This sequence change replaces methionine, which is neutral and non-polar, with threonine, which is neutral and polar, at codon 454 of the MFSD8 protein (p.Met454Thr). This variant is present in population databases (rs559155109, gnomAD 0.08%). This missense change has been observed in individuals with retinal dystrophy and neuronal ceroid lipofuscinosis (PMID: 25333361, 28041643, 28586915). It has also been observed to segregate with disease in related individuals. ClinVar contains an entry for this variant (Variation ID: 418295). Invitae Evidence Modeling of protein sequence and biophysical properties (such as structural, functional, and spatial information, amino acid conservation, physicochemical variation, residue mobility, and thermodynamic stability) indicates that this missense variant is expected to disrupt MFSD8 protein function with a positive predictive value of 80%. For these reasons, this variant has been classified as Pathogenic.

Institute of Medical Genetics and Applied Genomics, University Hospital Tübingen
Classification: Pathogenic for Macular dystrophy with central cone involvement. Last evaluated: 2025-07-22. Review status: criteria provided, single submitter. Criteria: ACMG Guidelines, 2015. Collection method: clinical testing. Allele origin: germline. Inheritance: Autosomal recessive inheritance. Affected: yes.
Comment: homozygous variant

Natera, Inc.
Classification: Pathogenic for Late-infantile neuronal ceroid lipofuscinosis. Last evaluated: 2025-06-16. Review status: criteria provided, single submitter. Criteria: Natera Variant Classification Schema (03/2026). Collection method: clinical testing. Allele origin: germline.
Comment: The c.1361T>C variant in MFSD8 is a missense variant predicted to cause substitution of methionine to threonine at amino acid 454. This variant is rare in the general population with a frequency below the threshold expected for the associated phenotype(s). This variant has been observed in at least one unaffected individual, with a zygosity that is consistent with the inheritance pattern for the associated condition (in gnomAD and/or literature). This variant has been observed in one or more individuals affected with the associated recessive disease, as either homozygous or compound heterozygous with a second variant (PMID: 36912596). Additionally, this variant has been observed to segregate in affected family members (PMID: 36912596). Computational prediction algorithms indicate this variant is likely to affect gene or protein function. Given the available evidence, this variant is classified as Pathogenic.

First Genomix Gene Laboratory, Genetic Diagnostics Department
Classification: Pathogenic for Neuronal ceroid lipofuscinosis 7; Macular dystrophy with central cone involvement. Last evaluated: 2025-06-04. Review status: criteria provided, single submitter. Criteria: ACMG Guidelines, 2015. Collection method: clinical testing. Allele origin: germline. Inheritance: Autosomal recessive inheritance. Affected: no.

GeneDx
Classification: Pathogenic. Last evaluated: 2025-03-13. Review status: criteria provided, single submitter. Criteria: GeneDx Variant Classification Process June 2021. Collection method: clinical testing. Allele origin: germline. Affected: yes.
Comment: In silico analysis supports that this missense variant has a deleterious effect on protein structure/function; This variant is associated with the following publications: (PMID: 34758253, 28041643, 28586915, 31006324, 35457110, 32581362, 36912596, 36833170, Fenner2024[Abstract], 38841332, 33749171, 37895316, 32037395, 38219857, 25333361)

SingHealth Duke-NUS Institute of Precision Medicine
Classification: Likely pathogenic for Macular dystrophy with central cone involvement. Last evaluated: 2025-02-05. Review status: criteria provided, single submitter. Criteria: PRISM ACMG Classification Criteria. Collection method: clinical testing. Allele origin: germline. Affected: yes.
Comment: Homozygous allele count in gnomAD exomes and genomes are less than 0 (PM2). REVEL score is 0.858 (PP3_mod). Cosegregation with the disease phenotypes observed in multiple families across multiple studies (PP1_mod, PMID: 28586915;28041643;25333361;31006324). A study found the in trans with a different pathogenic variant (PM3, PMID:31006324)

3billion
Classification: Likely pathogenic for Neuronal ceroid lipofuscinosis 7. Last evaluated: 2025-01-22. Review status: criteria provided, single submitter. Criteria: ACMG Guidelines, 2015. Collection method: clinical testing. Allele origin: germline. Affected: yes.
Comment: The variant is observed at an extremely low frequency in the gnomAD v4.1.0 dataset (total allele frequency: 0.005%). Predicted Consequence/Location: Missense variant. The majority of the known disease-causing variants of this gene are variants expected to result in premature termination of the protein. In silico tool predictions suggest damaging effect of the variant on gene or gene product [REVEL: 0.86 (>=0.6, sensitivity 0.68 and specificity 0.92); 3Cnet: 0.67 (>=0.6, sensitivity 0.72 and precision 0.9)]. The same nucleotide change resulting in the same amino acid change has been previously reported as pathogenic/likely pathogenic with strong evidence (ClinVar ID: VCV000418295 /PMID: 25333361). Therefore, this variant is classified as Likely pathogenic according to the recommendation of ACMG/AMP guideline.

Lab De Baere, Eye and Developmental Genetics Lab, Ghent University
Classification: Likely pathogenic for Cone-rod dystrophy. Last evaluated: 2024-10-01. Review status: criteria provided, single submitter. Criteria: ACMG Guidelines, 2015. Collection method: research. Allele origin: inherited. Affected: yes. Observed: 1 variant allele.
Comment: ACMG/AMP guidelines: PM2, PP4_PP, PP3, PP1, PM3_1